The following is an entry in ClinVar:

NM_000051.4(ATM):c.3201C>A (p.Asp1067Glu)

Gene: ATM (ATM serine/threonine kinase; plus strand). Cytogenetic location: 11q22.3.
Variant type: single nucleotide variant.
Coding change: c.3201C>A on transcript NM_000051.4 (MANE Select); coding-DNA position 3201, C replaced by A.
Protein change: p.Asp1067Glu; replaces aspartic acid 1067 with glutamic acid.
Molecular consequence: missense variant.
Genome position (GRCh38, 1-based): chr11:108,272,769, C>A. VCF-style: chr11-108272769-C-A. GRCh37 (hg19) VCF-style: chr11-108143496-C-A.
Other names: c.3201C>A, p.Asp1067Glu (NM_001351834.2); short protein forms D1067E.
Identifiers: ClinVar variation 836592 (VCV000836592.9), dbSNP rs1188674152, ClinGen allele CA382515753.

ClinVar aggregate classification (germline): Uncertain significance (1 of 4 stars; one submission).

Conditions:
Ataxia-telangiectasia syndrome (AT). Also called: Ataxia-telangiectasia, complementation group E; Ataxia telangiectasia (A-T); LOUIS-BAR SYNDROME; Ataxia-telangiectasia, complementation group D; AT, COMPLEMENTATION GROUP C; Ataxia-telangiectasia. Identifiers: Orphanet 100, MedGen C0004135, MONDO:0008840, OMIM 208900.

Allele frequency attached by ClinVar (database versions not stated): gnomAD exomes below 0.00001.

Submission:

Labcorp Genetics (formerly Invitae), Labcorp
Classification: Uncertain significance for Ataxia-telangiectasia syndrome. Last evaluated: 2019-02-24. Review status: criteria provided, single submitter. Criteria: Invitae Variant Classification Sherloc (09022015). Collection method: clinical testing. Allele origin: germline.
Comment: In summary, the available evidence is currently insufficient to determine the role of this variant in disease. Therefore, it has been classified as a Variant of Uncertain Significance. Algorithms developed to predict the effect of missense changes on protein structure and function output the following: SIFT: "Tolerated"; PolyPhen-2: "Benign"; Align-GVGD: "Class C0". The glutamic acid amino acid residue is found in multiple mammalian species, suggesting that this missense change does not adversely affect protein function. These predictions have not been confirmed by published functional studies and their clinical significance is uncertain. This variant has not been reported in the literature in individuals with ATM-related conditions. This variant is not present in population databases (ExAC no frequency). This sequence change replaces aspartic acid with glutamic acid at codon 1067 of the ATM protein (p.Asp1067Glu). The aspartic acid residue is moderately conserved and there is a small physicochemical difference between aspartic acid and glutamic acid.